The following is an entry in ClinVar:

ClinVar aggregate classification (germline): Pathogenic (1 of 4 stars; one submission).

Conditions:
Treacher Collins syndrome 1 (TCS1). Also called: TCOF1-Related Treacher Collins Syndrome. Identifiers: Orphanet 861, MedGen CN315775, MONDO:0007944, OMIM 154500.

Submission:

Labcorp Genetics (formerly Invitae), Labcorp
Classification: Pathogenic for Treacher Collins syndrome 1. Last evaluated: 2024-07-27. Review status: criteria provided, single submitter. Criteria: Invitae Variant Classification Sherloc (09022015). Collection method: clinical testing. Allele origin: germline.
Comment: This sequence change creates a premature translational stop signal (p.Val718Glyfs*39) in the TCOF1 gene. It is expected to result in an absent or disrupted protein product. Loss-of-function variants in TCOF1 are known to be pathogenic (PMID: 8894686, 22317976). This variant is not present in population databases (gnomAD no frequency). This variant has not been reported in the literature in individuals affected with TCOF1-related conditions. For these reasons, this variant has been classified as Pathogenic.

Literature cited by the submitters: PubMed 8894686; PubMed 22317976.

NM_001371623.1(TCOF1):c.2153_2154del (p.Val718fs)

Gene: TCOF1 (treacle ribosome biogenesis factor 1; plus strand). Cytogenetic location: 5q32.
Variant type: Microsatellite.
Coding change: c.2153_2154del on transcript NM_001371623.1 (MANE Select); coding-DNA positions 2153 to 2154, 2 bases deleted (TG; older notation c.2153_2154delTG).
Protein change: p.Val718fs; shifts the reading frame from valine 718.
Molecular consequence: frameshift variant.
Genome position (GRCh38, 1-based): chr5:150,376,433-150,376,434, TG deleted; deleting any 2 consecutive bases within chr5:150,376,431-150,376,434 gives the same sequence; the c. name uses the placement nearest the transcript's 3' end. VCF-style (leftmost placement, unchanged base first): chr5-150376430-CTG-C. GRCh37 (hg19) VCF-style: chr5-149755993-CTG-C.
Other names: c.1922_1923del, p.Val641fs (NM_000356.4, NM_001135245.2); c.2153_2154del, p.Val718fs (NM_001008657.3, NM_001135243.2, NM_001135244.2 and 1 more transcripts); short protein forms V641fs, V718fs.
Identifiers: ClinVar variation 3660733 (VCV003660733.2).
Genomic context (GRCh38, chr5:150,376,430, plus strand): 5'-CTACGTGGTCCTTTGGACTCCTGGAGACACCTCTCTTCCCCTTGTCATCCCAGGCAAAGT[CTG>C]TGGGGAAAGGCCTCCAGGTGAAAGCAGCCTCAGTGCCTGTCAAGGGGTCCTTGGGGCAAG-3'